The following is an entry in ClinVar:

NM_198253.3(TERT):c.1373C>T (p.Pro458Leu)

Gene: TERT (telomerase reverse transcriptase; minus strand). Cytogenetic location: 5p15.33.
Variant type: single nucleotide variant.
Coding change: c.1373C>T on transcript NM_198253.3 (MANE Select); coding-DNA position 1373, C replaced by T.
Protein change: p.Pro458Leu; replaces proline 458 with leucine.
Molecular consequence: missense variant. On other transcripts: non-coding transcript variant (2).
Genome position (GRCh38, 1-based): chr5:1,293,513, G>A on the plus strand (C>T on the coding strand, the complement: TERT is on the minus strand). VCF-style: chr5-1293513-G-A. GRCh37 (hg19) VCF-style: chr5-1293628-G-A.
Other names: c.1373C>T, p.Pro458Leu (NM_001193376.3); short protein forms P458L.
Identifiers: ClinVar variation 3372267 (VCV003372267.2).

ClinVar aggregate classification (germline): Uncertain significance. Review status: criteria provided, multiple submitters, no conflicts (2 of 4 stars). 2 submissions from 2 submitters: Uncertain significance (2). Last evaluated 2026-03-09.

Conditions:
Dyskeratosis congenita. Identifiers: Orphanet 1775, MedGen C0265965, MONDO:0015780.

Submissions (2):

Ambry Genetics
Classification: Uncertain significance for Dyskeratosis congenita. Last evaluated: 2026-03-09. Review status: criteria provided, single submitter. Criteria: Ambry Variant Classification Scheme 2023. Collection method: clinical testing. Allele origin: germline.
Comment: The p.P458L variant (also known as c.1373C>T), located in coding exon 2 of the TERT gene, results from a C to T substitution at nucleotide position 1373. The proline at codon 458 is replaced by leucine, an amino acid with similar properties. This amino acid position is not well conserved in available vertebrate species. In addition, the in silico prediction for this alteration is inconclusive. Based on the available evidence, the clinical significance of this variant remains unclear.

GeneDx
Classification: Uncertain significance. Last evaluated: 2024-04-10. Review status: criteria provided, single submitter. Criteria: GeneDx Variant Classification Process June 2021. Collection method: clinical testing. Allele origin: germline. Affected: yes.
Comment: Not observed at significant frequency in large population cohorts (gnomAD); In silico analysis supports that this missense variant has a deleterious effect on protein structure/function; Has not been previously published as pathogenic or benign to our knowledge